The following is an entry in ClinVar:

ClinVar aggregate classification (germline): Uncertain significance (1 of 4 stars; one submission).

Conditions:
Acromesomelic dysplasia 3 (AMD3). Also called: CHONDRODYSPLASIA, ACROMESOMELIC, WITH OR WITHOUT GENITAL ANOMALIES; Acromesomelic dysplasia, Demirhan type. Identifiers: MedGen C4225404, MONDO:0012274, OMIM 609441.
Type A2 brachydactyly (BDA2). Also called: Brachymesophalangy type 2; MOHR-WRIEDT TYPE BRACHYDACTYLY; BRACHYMESOPHALANGY II. Identifiers: Orphanet 93396, MedGen C1832702, MONDO:0007216, OMIM 112600, HP:0009372.

Allele frequency attached by ClinVar (database versions not stated): gnomAD exomes 0.00001 and 0.00002; ExAC 0.00002; gnomAD 0.00002; TOPMed 0.00003; ESP Exome Variant Server 0.00008.
gnomAD v4.1: 17 of 1,613,946 alleles (0.0011%); highest among the groups gnomAD compares: Admixed American, 0.0017%; no homozygotes.

Submission:

Labcorp Genetics (formerly Invitae), Labcorp
Classification: Uncertain significance for Type A2 brachydactyly; Acromesomelic dysplasia 3. Last evaluated: 2025-11-24. Review status: criteria provided, single submitter. Criteria: Invitae Variant Classification Sherloc (09022015). Collection method: clinical testing. Allele origin: germline.
Comment: This sequence change replaces lysine, which is basic and polar, with glutamine, which is neutral and polar, at codon 303 of the BMPR1B protein (p.Lys303Gln). This variant is present in population databases (rs370428276, gnomAD 0.004%). This variant has not been reported in the literature in individuals affected with BMPR1B-related conditions. ClinVar contains an entry for this variant (Variation ID: 1497633). Invitae Evidence Modeling of protein sequence and biophysical properties (such as structural, functional, and spatial information, amino acid conservation, physicochemical variation, residue mobility, and thermodynamic stability) indicates that this missense variant is not expected to disrupt BMPR1B protein function with a negative predictive value of 80%. In summary, the available evidence is currently insufficient to determine the role of this variant in disease. Therefore, it has been classified as a Variant of Uncertain Significance.

NM_001203.3(BMPR1B):c.907A>C (p.Lys303Gln)

Gene: BMPR1B (bone morphogenetic protein receptor type 1B; plus strand). Cytogenetic location: 4q22.3.
Variant type: single nucleotide variant.
Coding change: c.907A>C on transcript NM_001203.3 (MANE Select); coding-DNA position 907, A replaced by C.
Protein change: p.Lys303Gln; replaces lysine 303 with glutamine.
Molecular consequence: missense variant.
Genome position (GRCh38, 1-based): chr4:95,131,343, A>C. VCF-style: chr4-95131343-A-C. GRCh37 (hg19) VCF-style: chr4-96052494-A-C.
Other names: c.907A>C, p.Lys303Gln (NM_001256792.2, NM_001256794.1); c.997A>C, p.Lys333Gln (NM_001256793.2); short protein forms K303Q, K333Q.
Identifiers: ClinVar variation 1497633 (VCV001497633.8), dbSNP rs370428276, ClinGen allele CA3015130.
Genomic context (GRCh38, chr4:95,131,343, plus strand): 5'-GAAAATGGTTCCCTTTATGATTATCTGAAGTCCACCACCCTAGACGCTAAATCAATGCTG[A>C]AGTTAGCCTACTCTTCTGTCAGTGGCTTATGTCATTTACACACAGAAATCTTTAGTACTC-3'
Protein context (NP_001194.1, residues 293-313): STTLDAKSML[Lys303Gln]LAYSSVSGLC